The following is an entry in ClinVar:

NM_206933.4(USH2A):c.10852G>A (p.Gly3618Ser)

Gene: USH2A (usherin; minus strand). Cytogenetic location: 1q41.
Variant type: single nucleotide variant.
Coding change: c.10852G>A on transcript NM_206933.4 (MANE Select); coding-DNA position 10852, G replaced by A.
Protein change: p.Gly3618Ser; replaces glycine 3618 with serine.
Molecular consequence: missense variant.
Genome position (GRCh38, 1-based): chr1:215,779,930, C>T on the plus strand (G>A on the coding strand, the complement: USH2A is on the minus strand). VCF-style: chr1-215779930-C-T. GRCh37 (hg19) VCF-style: chr1-215953272-C-T.
Other names: short protein forms G3618S.
Identifiers: ClinVar variation 553008 (VCV000553008.15), dbSNP rs778158900, ClinGen allele CA1393905.

ClinVar aggregate classification (germline): Uncertain significance. Review status: criteria provided, multiple submitters, no conflicts (2 of 4 stars). 9 submissions from 8 submitters: Uncertain significance (6). 3 of the submissions do not count toward it. Last evaluated 2026-04-08.

Conditions:
Usher syndrome type 2A. Also called: RETINAL DISEASE IN USHER SYNDROME TYPE IIA, MODIFIER OF; USHER SYNDROME, TYPE IIA. Identifiers: Orphanet 231178, Orphanet 886, MedGen C1848634, MONDO:0010169, OMIM 276901.
Retinitis pigmentosa 39 (RP39). Identifiers: Orphanet 791, MedGen C3151138, MONDO:0013436, OMIM 613809.
Retinal dystrophy. Also called: Inherited retinal dystrophy. Identifiers: Orphanet 71862, MedGen C0854723, MeSH D058499, MONDO:0019118, HP:0000556.

Allele frequency attached by ClinVar (database versions not stated): gnomAD exomes below 0.00001 and 0.00001; ExAC 0.00001; TOPMed 0.00001; gnomAD 0.00002.
gnomAD v4.1: 13 of 1,613,932 alleles (0.00081%); highest among the groups gnomAD compares: East Asian, 0.0045%; no homozygotes.

Submissions (9):

GeneDx
Classification: Uncertain significance. Last evaluated: 2026-04-08. Review status: criteria provided, single submitter. Criteria: GeneDx Variant Classification Process June 2021. Collection method: clinical testing. Allele origin: germline.
Comment: Identified in a patient with Usher syndrome in published literature, but two additional USH2A pathogenic variants were also reported for this patient and segregation information was not provided (PMID: 27460420); Identified in a patient with retinitis pigmentosa and in a patient with hearing loss, however it was not provided if these individuals had another USH2A variant (PMID: 20507924, 23967202); In silico analysis supports that this missense variant has a deleterious effect on protein structure/function; This variant is associated with the following publications: (PMID: 23967202, 24944099, 20507924, 27460420)

Blueprint Genetics
Classification: Uncertain significance. Last evaluated: 2024-02-21. Review status: criteria provided, single submitter. Criteria: ACMG Guidelines, 2015. Collection method: clinical testing. Allele origin: germline.

Genome-Nilou Lab
Classification: Uncertain significance for Retinitis pigmentosa 39. Last evaluated: 2023-11-04. Review status: criteria provided, single submitter. Criteria: ACMG Guidelines, 2015. Collection method: clinical testing. Allele origin: germline. Affected: no.

Genome-Nilou Lab
Classification: Uncertain significance for Usher syndrome type 2A. Last evaluated: 2023-11-04. Review status: criteria provided, single submitter. Criteria: ACMG Guidelines, 2015. Collection method: clinical testing. Allele origin: germline. Affected: no.

Labcorp Genetics (formerly Invitae), Labcorp
Classification: Uncertain significance. Last evaluated: 2022-08-16. Review status: criteria provided, single submitter. Criteria: Invitae Variant Classification Sherloc (09022015). Collection method: clinical testing. Allele origin: germline.
Comment: This sequence change replaces glycine, which is neutral and non-polar, with serine, which is neutral and polar, at codon 3618 of the USH2A protein (p.Gly3618Ser). This variant is present in population databases (rs778158900, gnomAD 0.01%). This missense change has been observed in individual(s) with autosomal recessive retinitis pigmentosa and deafness (PMID: 20507924, 23967202). ClinVar contains an entry for this variant (Variation ID: 553008). Algorithms developed to predict the effect of missense changes on protein structure and function are either unavailable or do not agree on the potential impact of this missense change (SIFT: "Tolerated"; PolyPhen-2: "Probably Damaging"; Align-GVGD: "Class C0"). In summary, the available evidence is currently insufficient to determine the role of this variant in disease. Therefore, it has been classified as a Variant of Uncertain Significance.

Institute of Human Genetics, Univ. Regensburg, Univ. Regensburg
Classification: Uncertain significance for Retinal dystrophy. Last evaluated: 2012-01-01. Review status: criteria provided, single submitter. Criteria: ACMG Guidelines, 2015. Collection method: clinical testing. Allele origin: germline. Affected: yes.

Natera, Inc.
Classification: Uncertain significance for Usher syndrome type 2A. Last evaluated: 2020-02-07. Review status: no assertion criteria provided. Collection method: clinical testing. Allele origin: germline. Not counted in ClinVar's aggregate classification.

Counsyl
Classification: Uncertain significance for Usher syndrome type 2A; Retinitis pigmentosa 39. Last evaluated: 2017-07-26. Review status: no assertion criteria provided. Collection method: clinical testing. Allele origin: unknown. Not counted in ClinVar's aggregate classification.

Research Institute for Ophthalmology and Vision Science, Shahid Beheshti University of Medical Sciences
Classification: Likely pathogenic for Usher syndrome type 2A. Last evaluated: 2025-12-13. Review status: flagged submission. Criteria: ACMG Guidelines, 2015. Collection method: research. Allele origin: inherited. Inheritance: Autosomal recessive inheritance. Affected: yes. Not counted in ClinVar's aggregate classification.
Comment: NM_206933.4(USH2A):c.10852G>A has an extremely low frequency in gnomAD databases. It has been found in a compound heterozygote with a pathogenic mutation in patients and co-segregates with the disease in multiple affected family members.
ClinVar note: Reason: Outlier claim with insufficient supporting evidence

Literature cited by the submitters: PubMed 20507924 (cited by 3 submitters); PubMed 23967202 (cited by 3 submitters); PubMed 2746042 (cited by Institute of Human Genetics, Univ. Regensburg, Univ. Regensburg); PubMed 27460420 (cited by Counsyl).